The following is an entry in ClinVar:

ClinVar aggregate classification (germline): Conflicting classifications of pathogenicity. Review status: criteria provided, conflicting classifications (1 of 4 stars). 8 submissions from 8 submitters: Likely pathogenic (1); Uncertain significance (6). 1 of the submissions does not count toward it. Last evaluated 2026-01-12.

Conditions:
Developmental and epileptic encephalopathy, 52 (DEE52). Also called: Epileptic encephalopathy, early infantile, 52. Identifiers: MedGen C4479236, MONDO:0033361, OMIM 617350.
Brugada syndrome 5 (BRGDA5). Identifiers: Orphanet 130, Orphanet 871, MedGen C2748541, MONDO:0013015, OMIM 612838.
Atrial fibrillation, familial, 13 (ATFB13). Identifiers: MedGen C3809311, MONDO:0014155, OMIM 615377.
Generalized epilepsy with febrile seizures plus, type 1 (GEFSP1). Also called: GEFS+, TYPE 1. Identifiers: Orphanet 36387, MedGen C1858672, MONDO:0011416, OMIM 604233.
Cardiovascular phenotype. Identifiers: MedGen CN230736.

Allele frequency attached by ClinVar (database versions not stated): gnomAD exomes below 0.00001; ExAC 0.00001; gnomAD 0.00001; TOPMed 0.00001.
gnomAD v4.1: 2 of 1,614,002 alleles (0.00012%); highest among the groups gnomAD compares: Non-Finnish European, 0.00017%; no homozygotes.

Submissions (8):

Ambry Genetics
Classification: Uncertain significance for Cardiovascular phenotype. Last evaluated: 2026-01-12. Review status: criteria provided, single submitter. Criteria: Ambry Variant Classification Scheme 2023. Collection method: clinical testing. Allele origin: germline.
Comment: The c.374G>A (p.R125H) alteration is located in exon 3 (coding exon 3) of the SCN1B gene. This alteration results from a G to A substitution at nucleotide position 374, causing the arginine (R) at amino acid position 125 to be replaced by a histidine (H). The SCN1B c.374G>A variant was flagged as a low confidence call in the Genome Aggregation Database (gnomAD). This variant was reported in individual(s) with features consistent with autosomal dominant SCN1B-related epilepsy; in at least one individual, it was determined to be de novo (Truty, 2019; Blazekovic, 2022; Dong, 2024). Other variants at the same codon, c.373C>T (p.R125C), c.374G>T (p.R125L), have been identified in individual(s) with features consistent with autosomal dominant SCN1B-related epilepsy and autosomal recessive SCN1B-related developmental and epileptic encephalopathy (Patino, 2009; Fendri-Kriaa, 2011; Mukherjee, 2017). This amino acid position is highly conserved in available vertebrate species. This alteration is predicted to be deleterious by in silico analysis. Based on insufficient or conflicting evidence, the clinical significance of this alteration remains unclear.

Labcorp Genetics (formerly Invitae), Labcorp
Classification: Uncertain significance for Brugada syndrome 5. Last evaluated: 2025-11-01. Review status: criteria provided, single submitter. Criteria: Invitae Variant Classification Sherloc (09022015). Collection method: clinical testing. Allele origin: germline.
Comment: This sequence change replaces arginine, which is basic and polar, with histidine, which is basic and polar, at codon 125 of the SCN1B protein (p.Arg125His). This variant is present in population databases (rs759839781, gnomAD 0.0008%). This missense change has been observed in individual(s) with Dravet syndrome and/or epilepsy (PMID: 36011376; internal data). This variant has been reported in individual(s) with autosomal dominant generalized epilepsy with febrile seizures, plus (PMID: 38880818); however, the role of the variant in this condition is currently unclear. ClinVar contains an entry for this variant (Variation ID: 190881). An algorithm developed to predict the effect of missense changes on protein structure and function (PolyPhen-2) suggests that this variant is likely to be disruptive. This variant disrupts the p.Arg125 amino acid residue in SCN1B. Other variant(s) that disrupt this residue have been observed in individuals with SCN1B-related conditions (PMID: 19710327, 28681755), which suggests that this may be a clinically significant amino acid residue. In summary, the available evidence is currently insufficient to determine the role of this variant in disease. Therefore, it has been classified as a Variant of Uncertain Significance.

GeneDx
Classification: Likely pathogenic. Last evaluated: 2025-09-19. Review status: criteria provided, single submitter. Criteria: GeneDx Variant Classification Process June 2021. Collection method: clinical testing. Allele origin: germline. Affected: yes.
Comment: Previously reported in a proband from a pediatric epilepsy cohort; however additional clinical and segregation data were not provided (PMID: 36011376); Not observed at significant frequency in large population cohorts (gnomAD); In silico analysis supports that this missense variant has a deleterious effect on protein structure/function; This variant is associated with the following publications: (PMID: 19710327, 28681755, 36011376, 38880818)

Clinical Genomics Laboratory, Washington University in St. Louis
Classification: Uncertain significance for Brugada syndrome 5. Last evaluated: 2024-08-05. Review status: criteria provided, single submitter. Criteria: ACMG Guidelines, 2015. Collection method: clinical testing. Allele origin: germline.
Comment: An SCN1B c.374G>A (p.Arg125His) variant was identified. This variant has been reported in two individuals with epilepsy (Dong R et al., PMID: 38880818; Blazekovic A et al., PMID: 36011376) but has not been reported in the literature in any individuals with cardiac phenotypes. This variant has been reported in the ClinVar database as a variant of uncertain significance by four submitters and likely pathogenic variant by one submitter (ClinVar Variation ID: 190881). The SCN1B c.374G>A (p.Arg125His) variant is only observed on 1/282,868 alleles in the general population (gnomAD v2.1.1), indicating it is not a common variant. Other variants in the same codon, c.374C>T (p.Arg125Leu) and c.373C>T (p.Arg125Cys), have been reported in individuals affected with febrile seizures (Fendri-Kriaa N et al., PMID: 21040232) and Dravet syndrome, respectively (Mukherjee D et al., PMID: 28681755; Patino GA et al., PMID: 19710327). Computational predictors indicate that the variant is damaging, evidence that correlates with impact to SCN1B function. Due to limited information, and based on ACMG/AMP guidelines for variant interpretation (Richards S et al., PMID: 25741868), the clinical significance of the SCN1B c.374G>A (p.Arg125His) variant is uncertain at this time.

Blueprint Genetics
Classification: Uncertain significance. Last evaluated: 2023-07-19. Review status: criteria provided, single submitter. Criteria: ACMG Guidelines, 2015. Collection method: clinical testing. Allele origin: germline.

Women's Health and Genetics/Laboratory Corporation of America, LabCorp
Classification: Uncertain significance. Last evaluated: 2023-05-02. Review status: criteria provided, single submitter. Criteria: LabCorp Variant Classification Summary - May 2015. Collection method: clinical testing. Allele origin: germline.
Comment: Variant summary: SCN1B c.374G>A (p.Arg125His) results in a non-conservative amino acid change located in the Immunoglobulin V-set domain (IPR013106) of the encoded protein sequence. Five of five in-silico tools predict a damaging effect of the variant on protein function. The variant was absent in 251484 control chromosomes (gnomAD). The available data on variant occurrences in the general population are insufficient to allow any conclusion about variant significance. c.374G>A has been reported in the literature in an individual affected with epilepsy (example: Blazekovic_2022). This report does not provide unequivocal conclusions about association of the variant with SCN1B-Related Disorders. To our knowledge, no experimental evidence demonstrating an impact on protein function has been reported. Other variants affecting the same amino acid is reported in association with epilepsy in HGMD. The following publication have been ascertained in the context of this evaluation (PMID: 36011376). Three clinical diagnostic laboratories have submitted clinical-significance assessments for this variant to ClinVar after 2014 and classified the variant as VUS (n=2) and likely pathogenic (n=1). Based on the evidence outlined above, the variant was classified as uncertain significance.

Fulgent Genetics
Classification: Uncertain significance for Generalized epilepsy with febrile seizures plus, type 1; Brugada syndrome 5; Atrial fibrillation, familial, 13; Developmental and epileptic encephalopathy, 52. Last evaluated: 2021-07-29. Review status: criteria provided, single submitter. Criteria: ACMG Guidelines, 2015. Collection method: clinical testing. Allele origin: unknown.

Clinical Genetics Laboratory, University Hospital Schleswig-Holstein
Classification: Likely pathogenic for Atrial fibrillation, familial, 13. Last evaluated: 2021-09-20. Review status: flagged submission. Collection method: clinical testing. Allele origin: germline. Affected: yes. Not counted in ClinVar's aggregate classification.
ClinVar note: Reason: Outlier claim with insufficient supporting evidence

Literature cited by the submitters: PubMed 19710327 (cited by Ambry Genetics and Labcorp Genetics (formerly Invitae), Labcorp); PubMed 21040232 (cited by Ambry Genetics); PubMed 28681755 (cited by Ambry Genetics and Labcorp Genetics (formerly Invitae), Labcorp); PubMed 31440721 (cited by Ambry Genetics); PubMed 36011376 (cited by 3 submitters); PubMed 38880818 (cited by Ambry Genetics and Labcorp Genetics (formerly Invitae), Labcorp).

NM_001037.5(SCN1B):c.374G>A (p.Arg125His)

Gene: SCN1B (sodium voltage-gated channel beta subunit 1; plus strand). Cytogenetic location: 19q13.11.
Variant type: single nucleotide variant.
Coding change: c.374G>A on transcript NM_001037.5 (MANE Select); coding-DNA position 374, G replaced by A.
Protein change: p.Arg125His; replaces arginine 125 with histidine.
Molecular consequence: missense variant.
Genome position (GRCh38, 1-based): chr19:35,033,665, G>A. VCF-style: chr19-35033665-G-A. GRCh37 (hg19) VCF-style: chr19-35524569-G-A.
Other names: p.R125H:CGC>CAC; c.275G>A, p.Arg92His (NM_001321605.2); c.374G>A, p.Arg125His (NM_199037.5); c.374G>A (NM_199037.4); short protein forms R125H, R92H.
Identifiers: ClinVar variation 190881 (VCV000190881.20), dbSNP rs759839781, ClinGen allele CA302194.